The following is an entry in ClinVar:

ClinVar aggregate classification (germline): Likely pathogenic (1 of 4 stars; one submission).

Conditions:
Rauch-Steindl syndrome (RAUST). Identifiers: Orphanet 659642, MedGen C5562061, MONDO:0859219, OMIM 619695.

Submission:

Institute of Human Genetics, University of Leipzig Medical Center
Classification: Likely pathogenic for Rauch-Steindl syndrome. Last evaluated: 2023-08-22. Review status: criteria provided, single submitter. Criteria: ACMG Guidelines, 2015. Collection method: clinical testing. Allele origin: de novo. Inheritance: Autosomal dominant inheritance. Affected: yes.
Comment: Criteria applied: PS2,PVS1_MOD,PM2_SUP

NM_001042424.3(NSD2):c.3835del (p.Glu1279fs)

Gene: NSD2 (nuclear receptor binding SET domain protein 2; plus strand). Cytogenetic location: 4p16.3.
Variant type: Deletion.
Coding change: c.3835del on transcript NM_001042424.3 (MANE Select); coding-DNA position 3835, one base deleted (G; older notation c.3835delG).
Protein change: p.Glu1279fs; shifts the reading frame from glutamic acid 1279.
Molecular consequence: frameshift variant.
Genome position (GRCh38, 1-based): chr4:1,978,646, G deleted; the last of 3 consecutive G bases (chr4:1,978,644-1,978,646); deleting any one gives the same sequence. VCF-style (leftmost placement, unchanged base first): chr4-1978643-TG-T. GRCh37 (hg19) VCF-style: chr4-1980370-TG-T.
Other names: c.3835del, p.Glu1279fs (NM_133330.3, NM_133331.3, NM_133335.4); short protein forms E1279fs.
Identifiers: ClinVar variation 2578449 (VCV002578449.2), dbSNP rs2474781315, ClinGen allele CA2580617615.
Genomic context (GRCh38, chr4:1,978,643, plus strand): 5'-GTTGAAGTCGTGATTCCATCACTTCTGTGTGCTCACATCTTGTGTTCTGTTGCAGGGAAG[TG>T]GGAATGTCCTTGGCATCATTGTGACGTGTGTGGCAAACCTTCGACTTCATTTTGCCACCT-3'